The following is an entry in ClinVar:

ClinVar aggregate classification (germline): Likely benign. Review status: criteria provided, multiple submitters, no conflicts (2 of 4 stars). 3 submissions from 3 submitters: Likely benign (2). 1 of the submissions does not count toward it. Last evaluated 2025-12-03.

Conditions:
HCN4-related disorder. Also called: HCN4-related condition.
Cardiovascular phenotype. Identifiers: MedGen CN230736.
Brugada syndrome 8 (BRGDA8). Identifiers: Orphanet 130, MedGen C2751083, MONDO:0013148, OMIM 613123.

Allele frequency attached by ClinVar (database versions not stated): gnomAD exomes 0.00003 and 0.00006; ExAC 0.00011.
gnomAD v4.1: 40 of 1,587,440 alleles (0.0025%); highest among the groups gnomAD compares: South Asian, 0.04%; no homozygotes.

Submissions (3):

Labcorp Genetics (formerly Invitae), Labcorp
Classification: Likely benign for Brugada syndrome 8. Last evaluated: 2025-12-03. Review status: criteria provided, single submitter. Criteria: Invitae Variant Classification Sherloc (09022015). Collection method: clinical testing. Allele origin: germline.

Ambry Genetics
Classification: Likely benign for Cardiovascular phenotype. Last evaluated: 2023-05-01. Review status: criteria provided, single submitter. Criteria: Ambry Variant Classification Scheme 2023. Collection method: clinical testing. Allele origin: germline.

PreventionGenetics, part of Exact Sciences
Classification: Likely benign for HCN4-related condition. Last evaluated: 2019-06-07. Review status: no assertion criteria provided. Collection method: clinical testing. Allele origin: germline. Not counted in ClinVar's aggregate classification.
Comment: This variant is classified as likely benign based on ACMG/AMP sequence variant interpretation guidelines (Richards et al. 2015 PMID: 25741868, with internal and published modifications).

NM_005477.3(HCN4):c.537C>T (p.Cys179=)

Gene: HCN4 (hyperpolarization activated cyclic nucleotide gated potassium channel 4; minus strand). Cytogenetic location: 15q24.1.
Variant type: single nucleotide variant.
Coding change: c.537C>T on transcript NM_005477.3 (MANE Select); coding-DNA position 537, C replaced by T.
Protein change: p.Cys179=; no amino-acid change (cysteine 179 retained).
Molecular consequence: synonymous variant.
Genome position (GRCh38, 1-based): chr15:73,367,734, G>A on the plus strand (C>T on the coding strand, the complement: HCN4 is on the minus strand). VCF-style: chr15-73367734-G-A. GRCh37 (hg19) VCF-style: chr15-73660075-G-A.
Identifiers: ClinVar variation 942085 (VCV000942085.12), dbSNP rs753829397, ClinGen allele CA7649467.